The following is an entry in ClinVar:

NM_002439.5(MSH3):c.2429T>A (p.Phe810Tyr)

Gene: MSH3 (mutS homolog 3; plus strand). Cytogenetic location: 5q14.1.
Variant type: single nucleotide variant.
Coding change: c.2429T>A on transcript NM_002439.5 (MANE Select); coding-DNA position 2429, T replaced by A.
Protein change: p.Phe810Tyr; replaces phenylalanine 810 with tyrosine.
Molecular consequence: missense variant.
Genome position (GRCh38, 1-based): chr5:80,778,830, T>A. VCF-style: chr5-80778830-T-A. GRCh37 (hg19) VCF-style: chr5-80074649-T-A.
Other names: short protein forms F810Y.
Identifiers: ClinVar variation 1791128 (VCV001791128.2), dbSNP rs2546779626, ClinGen allele CA360281931.

ClinVar aggregate classification (germline): Uncertain significance (1 of 4 stars; one submission).

Conditions:
Hereditary cancer-predisposing syndrome. Also called: Hereditary Cancer Syndrome; Hereditary neoplastic syndrome; Tumor predisposition; Neoplastic Syndromes, Hereditary. Identifiers: Orphanet 140162, MedGen C0027672, MeSH D009386, MONDO:0015356.

Submission:

Ambry Genetics
Classification: Uncertain significance for Hereditary cancer-predisposing syndrome. Last evaluated: 2021-06-08. Review status: criteria provided, single submitter. Criteria: Ambry Variant Classification Scheme 2023. Collection method: clinical testing. Allele origin: germline.
Comment: The p.F810Y variant (also known as c.2429T>A), located in coding exon 17 of the MSH3 gene, results from a T to A substitution at nucleotide position 2429. The phenylalanine at codon 810 is replaced by tyrosine, an amino acid with highly similar properties. This amino acid position is highly conserved in available vertebrate species. In addition, this alteration is predicted to be deleterious by in silico analysis. Since supporting evidence is limited at this time, the clinical significance of this alteration remains unclear.